The following is an entry in ClinVar:

ClinVar aggregate classification (germline): Likely benign. Review status: criteria provided, multiple submitters, no conflicts (2 of 4 stars). 4 submissions from 4 submitters: Likely benign (4). Last evaluated 2025-09-28.

Conditions:
Muscular dystrophy-dystroglycanopathy type B6 (MDDGB6). Also called: MUSCULAR DYSTROPHY-DYSTROGLYCANOPATHY (CONGENITAL WITH IMPAIRED INTELLECTUAL DEVELOPMENT), TYPE B, 6; MUSCULAR DYSTROPHY, CONGENITAL, LARGE-RELATED; MUSCULAR DYSTROPHY, CONGENITAL, TYPE 1D. Identifiers: MedGen C1837229, MONDO:0012138, OMIM 608840.

Allele frequency attached by ClinVar (database versions not stated): ExAC 0.00002; gnomAD 0.00002; gnomAD exomes 0.00002; TOPMed 0.00002.
gnomAD v4.1: 37 of 1,613,986 alleles (0.0023%); highest among the groups gnomAD compares: African/African-American, 0.0067%; no homozygotes.

Submissions (4):

Labcorp Genetics (formerly Invitae), Labcorp
Classification: Likely benign for Muscular dystrophy-dystroglycanopathy type B6. Last evaluated: 2025-09-28. Review status: criteria provided, single submitter. Criteria: Invitae Variant Classification Sherloc (09022015). Collection method: clinical testing. Allele origin: germline.

Blueprint Genetics
Classification: Likely benign. Last evaluated: 2023-03-13. Review status: criteria provided, single submitter. Criteria: ACMG Guidelines, 2015. Collection method: clinical testing. Allele origin: germline.

CeGaT Center for Human Genetics Tuebingen
Classification: Likely benign. Last evaluated: 2022-08-01. Review status: criteria provided, single submitter. Criteria: CeGaT Center For Human Genetics Tuebingen Variant Classification Criteria Version 2. Collection method: clinical testing. Allele origin: germline. Affected: yes. Observed: 1 variant allele.
Comment: LARGE1: BP4, BP7

GeneDx
Classification: Likely benign. Last evaluated: 2021-03-05. Review status: criteria provided, single submitter. Criteria: GeneDx Variant Classification Process June 2021. Collection method: clinical testing. Allele origin: germline. Affected: yes.

NM_133642.5(LARGE1):c.1785C>T (p.Pro595=)

Gene: LARGE1 (LARGE xylosyl- and glucuronyltransferase 1; minus strand). Cytogenetic location: 22q12.3.
Variant type: single nucleotide variant.
Coding change: c.1785C>T on transcript NM_133642.5 (MANE Select); coding-DNA position 1785, C replaced by T.
Protein change: p.Pro595=; no amino-acid change (proline 595 retained).
Molecular consequence: synonymous variant. On other transcripts: intron variant (3).
Genome position (GRCh38, 1-based): chr22:33,283,294, G>A on the plus strand (C>T on the coding strand, the complement: LARGE1 is on the minus strand). VCF-style: chr22-33283294-G-A. GRCh37 (hg19) VCF-style: chr22-33679280-G-A.
Other names: c.1785C>T, p.Pro595= (NM_001362949.2, NM_001362951.2, NM_001362953.2 and 4 more transcripts); c.1629C>T, p.Pro543= (NM_001378629.1); c.1182C>T, p.Pro394= (NM_001378630.1); c.1731-6039C>T (NM_001378627.1, NM_001378628.1); c.972-6039C>T (NM_001378631.1).
Identifiers: ClinVar variation 777864 (VCV000777864.39), dbSNP rs751341620, ClinGen allele CA10202648.